The following is an entry in ClinVar:

ClinVar aggregate classification (germline): Likely benign (0 of 4 stars; one submission).

Conditions:
SEMA3F-related disorder. Also called: SEMA3F-related condition.

gnomAD v4.1: 16 of 1,614,160 alleles (0.00099%); highest among the groups gnomAD compares: South Asian, 0.0033%; no homozygotes.

Submission:

PreventionGenetics, part of Exact Sciences
Classification: Likely benign for SEMA3F-related condition. Last evaluated: 2024-02-21. Review status: no assertion criteria provided. Collection method: clinical testing. Allele origin: germline.
Comment: This variant is classified as likely benign based on ACMG/AMP sequence variant interpretation guidelines (Richards et al. 2015 PMID: 25741868, with internal and published modifications).

NM_004186.5(SEMA3F):c.1068C>T (p.Tyr356=)

Gene: SEMA3F (semaphorin 3F; plus strand). Cytogenetic location: 3p21.31.
Variant type: single nucleotide variant.
Coding change: c.1068C>T on transcript NM_004186.5 (MANE Select); coding-DNA position 1068, C replaced by T.
Protein change: p.Tyr356=; no amino-acid change (tyrosine 356 retained).
Molecular consequence: synonymous variant.
Genome position (GRCh38, 1-based): chr3:50,183,235, C>T. VCF-style: chr3-50183235-C-T. GRCh37 (hg19) VCF-style: chr3-50220668-C-T.
Other names: c.771C>T, p.Tyr257= (NM_001318798.2); c.975C>T, p.Tyr325= (NM_001318800.2).
Identifiers: ClinVar variation 3356438 (VCV003356438.1).